The following is an entry in ClinVar:

ClinVar aggregate classification (germline): Uncertain significance (1 of 4 stars; one submission).

Allele frequency attached by ClinVar (database versions not stated): gnomAD 0.00001.
gnomAD v4.1: 5 of 1,614,004 alleles (0.00031%); highest among the groups gnomAD compares: Admixed American, 0.0033%; no homozygotes.

Submission:

Labcorp Genetics (formerly Invitae), Labcorp
Classification: Uncertain significance. Last evaluated: 2025-11-20. Review status: criteria provided, single submitter. Criteria: Invitae Variant Classification Sherloc (09022015). Collection method: clinical testing. Allele origin: germline.
Comment: This sequence change replaces threonine, which is neutral and polar, with isoleucine, which is neutral and non-polar, at codon 723 of the RAI1 protein (p.Thr723Ile). This variant is present in population databases (no rsID available, gnomAD 0.007%). This variant has not been reported in the literature in individuals affected with RAI1-related conditions. ClinVar contains an entry for this variant (Variation ID: 2038263). Invitae Evidence Modeling of protein sequence and biophysical properties (such as structural, functional, and spatial information, amino acid conservation, physicochemical variation, residue mobility, and thermodynamic stability) indicates that this missense variant is not expected to disrupt RAI1 protein function with a negative predictive value of 80%. In summary, the available evidence is currently insufficient to determine the role of this variant in disease. Therefore, it has been classified as a Variant of Uncertain Significance.

NM_030665.4(RAI1):c.2168C>T (p.Thr723Ile)

Gene: RAI1 (retinoic acid induced 1; plus strand). Cytogenetic location: 17p11.2.
Variant type: single nucleotide variant.
Coding change: c.2168C>T on transcript NM_030665.4 (MANE Select); coding-DNA position 2168, C replaced by T.
Protein change: p.Thr723Ile; replaces threonine 723 with isoleucine.
Molecular consequence: missense variant.
Genome position (GRCh38, 1-based): chr17:17,795,116, C>T. VCF-style: chr17-17795116-C-T. GRCh37 (hg19) VCF-style: chr17-17698430-C-T.
Other names: short protein forms T723I.
Identifiers: ClinVar variation 2038263 (VCV002038263.4), dbSNP rs1471041018, ClinGen allele CA398550325.